The following is an entry in ClinVar:

ClinVar aggregate classification (germline): Uncertain significance (1 of 4 stars; one submission).

Conditions:
Inborn genetic diseases. Identifiers: MedGen C0950123, MeSH D030342.

Submission:

Ambry Genetics
Classification: Uncertain significance for Inborn genetic diseases. Last evaluated: 2025-02-25. Review status: criteria provided, single submitter. Criteria: Ambry Variant Classification Scheme 2023. Collection method: clinical testing. Allele origin: germline.
Comment: The p.D202Y variant (also known as c.604G>T), located in coding exon 7 of the FANCA gene, results from a G to T substitution at nucleotide position 604. The aspartic acid at codon 202 is replaced by tyrosine, an amino acid with highly dissimilar properties. This amino acid position is conserved. In addition, this alteration is predicted to be tolerated by in silico analysis. Based on the available evidence, the clinical significance of this variant remains unclear.

NM_000135.4(FANCA):c.604G>T (p.Asp202Tyr)

Gene: FANCA (FA complementation group A; minus strand). Cytogenetic location: 16q24.3.
Variant type: single nucleotide variant.
Coding change: c.604G>T on transcript NM_000135.4 (MANE Select); coding-DNA position 604, G replaced by T.
Protein change: p.Asp202Tyr; replaces aspartic acid 202 with tyrosine.
Molecular consequence: missense variant.
Genome position (GRCh38, 1-based): chr16:89,805,385, C>A on the plus strand (G>T on the coding strand, the complement: FANCA is on the minus strand). VCF-style: chr16-89805385-C-A. GRCh37 (hg19) VCF-style: chr16-89871793-C-A.
Other names: c.604G>T, p.Asp202Tyr (NM_001018112.3, NM_001286167.3); c.508G>T, p.Asp170Tyr (NM_001351830.2); short protein forms D170Y, D202Y.
Identifiers: ClinVar variation 3848265 (VCV003848265.1).